The following is an entry in ClinVar:

NM_000143.4(FH):c.977G>T (p.Gly326Val)

Gene: FH (fumarate hydratase; minus strand). Cytogenetic location: 1q43.
Variant type: single nucleotide variant.
Coding change: c.977G>T on transcript NM_000143.4 (MANE Select); coding-DNA position 977, G replaced by T.
Protein change: p.Gly326Val; replaces glycine 326 with valine.
Molecular consequence: missense variant.
Genome position (GRCh38, 1-based): chr1:241,504,173, C>A on the plus strand (G>T on the coding strand, the complement: FH is on the minus strand). VCF-style: chr1-241504173-C-A. GRCh37 (hg19) VCF-style: chr1-241667473-C-A.
Other names: short protein forms G326V.
Identifiers: ClinVar variation 4827312 (VCV004827312.1).

ClinVar aggregate classification (germline): Likely pathogenic (1 of 4 stars; one submission).

Conditions:
Hereditary cancer-predisposing syndrome. Also called: Neoplastic Syndromes, Hereditary; Tumor predisposition; Hereditary Cancer Syndrome; Hereditary neoplastic syndrome. Identifiers: Orphanet 140162, MedGen C0027672, MeSH D009386, MONDO:0015356.

Submission:

Ambry Genetics
Classification: Likely pathogenic for Hereditary cancer-predisposing syndrome. Last evaluated: 2026-03-11. Review status: criteria provided, single submitter. Criteria: Ambry Variant Classification Scheme 2023. Collection method: clinical testing. Allele origin: germline.
Comment: The p.G326V variant (also known as c.977G>T), located in coding exon 7 of the FH gene, results from a G to T substitution at nucleotide position 977. The glycine at codon 326 is replaced by valine, an amino acid with dissimilar properties. Other variant(s) at the same codon, p.G326E (c.977G>A), have been identified in individual(s) with features consistent with FH-related tumor predisposition (Ambry internal data). This variant was reported in individual(s) with features consistent with FH-related tumor predisposition (Ambry internal data). This amino acid position is highly conserved in available vertebrate species. In addition, this alteration is predicted to be deleterious by in silico analysis. This variant is considered to be rare based on population cohorts in the Genome Aggregation Database (gnomAD). Based on the majority of available evidence to date, this variant is likely to be pathogenic.